The following is an entry in ClinVar:

ClinVar aggregate classification (germline): Uncertain significance (1 of 4 stars; one submission).

Conditions:
Neuropathy, hereditary sensory and autonomic, type 1C. Also called: HSAN IC; HSN IC. Identifiers: Orphanet 36386, MedGen C3150896, MONDO:0013337, OMIM 613640.

gnomAD v4.1: 8 of 1,473,596 alleles (0.00054%); highest among the groups gnomAD compares: African/African-American, 0.0015%; no homozygotes.

Submission:

Labcorp Genetics (formerly Invitae), Labcorp
Classification: Uncertain significance for Neuropathy, hereditary sensory and autonomic, type 1C. Last evaluated: 2018-01-18. Review status: criteria provided, single submitter. Criteria: Invitae Variant Classification Sherloc (09022015). Collection method: clinical testing. Allele origin: germline.
Comment: In summary, the available evidence is currently insufficient to determine the role of this variant in disease. Therefore, it has been classified as a Variant of Uncertain Significance. Nucleotide substitutions within the consensus splice site are a relatively common cause of aberrant splicing (PMID: 17576681, 9536098). Algorithms developed to predict the effect of sequence changes on RNA splicing suggest that this variant may disrupt the consensus splice site, but this prediction has not been confirmed by published transcriptional studies. This variant has not been reported in the literature in individuals with SPTLC2-related disease. While this variant is not present in population databases, the frequency information is unreliable, as metrics indicate poor data quality at this position in the ExAC database. This sequence change falls in intron 1 of the SPTLC2 gene. It does not directly change the encoded amino acid sequence of the SPTLC2 protein, but it affects a nucleotide within the consensus splice site of the intron.

Literature cited by the submitters: PubMed 17576681; PubMed 9536098.

NM_004863.4(SPTLC2):c.132+5G>T

Gene: SPTLC2 (serine palmitoyltransferase long chain base subunit 2; minus strand). Cytogenetic location: 14q24.3.
Variant type: single nucleotide variant.
Coding change: c.132+5G>T on transcript NM_004863.4 (MANE Select); 5 bases into the intron after coding-DNA position 132, G replaced by T.
Molecular consequence: intron variant.
Genome position (GRCh38, 1-based): chr14:77,616,443, C>A on the plus strand (G>T on the coding strand, the complement: SPTLC2 is on the minus strand). VCF-style: chr14-77616443-C-A. GRCh37 (hg19) VCF-style: chr14-78082786-C-A.
Identifiers: ClinVar variation 575072 (VCV000575072.7), dbSNP rs1442394746, ClinGen allele CA891844546.